The following is an entry in ClinVar:

NM_182914.3(SYNE2):c.10151A>C (p.Gln3384Pro)

Gene: SYNE2 (spectrin repeat containing nuclear envelope protein 2; plus strand). Cytogenetic location: 14q23.2.
Variant type: single nucleotide variant.
Coding change: c.10151A>C on transcript NM_182914.3 (MANE Select); coding-DNA position 10151, A replaced by C.
Protein change: p.Gln3384Pro; replaces glutamine 3384 with proline.
Molecular consequence: missense variant.
Genome position (GRCh38, 1-based): chr14:64,062,834, A>C. VCF-style: chr14-64062834-A-C. GRCh37 (hg19) VCF-style: chr14-64529552-A-C.
Other names: c.10151A>C, p.Gln3384Pro (NM_015180.6); short protein forms Q3384P.
Identifiers: ClinVar variation 4085013 (VCV004085013.8).
Genomic context (GRCh38, chr14:64,062,834, plus strand): 5'-ATAGAAAAATGGAAGAGGATATTTACACTAACCTCAGCAAAATGGAGACAGTTCTTGGAC[A>C]GTCCATGTCCTCGTTGCCACTGTCTTACAGAGAAGCTTTAGAGCGCTTGGAACAGAGCAA-3'
Protein context (NP_878918.2, residues 3374-3394): NLSKMETVLG[Gln3384Pro]SMSSLPLSYR

ClinVar aggregate classification (germline): Uncertain significance (1 of 4 stars; one submission).

gnomAD v4.1: 1 of 1,614,202 alleles (0.000062%); no homozygotes.

Submission:

CeGaT Center for Human Genetics Tuebingen
Classification: Uncertain significance. Last evaluated: 2025-07-01. Review status: criteria provided, single submitter. Criteria: CeGaT Center For Human Genetics Tuebingen Variant Classification Criteria Version 2. Collection method: clinical testing. Allele origin: germline. Affected: yes. Observed: 1 variant allele.
Comment: SYNE2: PM2, BP4